The following is an entry in ClinVar:

NM_001317778.2(SFTPC):c.201+14G>A

Gene: SFTPC (surfactant protein C; plus strand). Cytogenetic location: 8p21.3.
Variant type: single nucleotide variant.
Coding change: c.201+14G>A on transcript NM_001317778.2 (MANE Select); 14 bases into the intron after coding-DNA position 201, G replaced by A.
Molecular consequence: intron variant.
Genome position (GRCh38, 1-based): chr8:22,162,746, G>A. VCF-style: chr8-22162746-G-A. GRCh37 (hg19) VCF-style: chr8-22020259-G-A.
Other names: c.201+14G>A (NM_003018.4, NM_001172410.2, NM_001172357.2 and 1 more transcripts); c.43-334G>A (NM_001317779.2).
Identifiers: ClinVar variation 165209 (VCV000165209.20), dbSNP rs8192327, ClinGen allele CA177955.

ClinVar aggregate classification (germline): Benign/Likely benign. Review status: criteria provided, multiple submitters, no conflicts (2 of 4 stars). 6 submissions from 6 submitters: Benign (4); Likely benign (2). Last evaluated 2026-02-01.

Conditions:
Surfactant metabolism dysfunction, pulmonary, 2 (SMDP2). Also called: PULMONARY ALVEOLAR PROTEINOSIS, CONGENITAL, 2; DESQUAMATIVE INTERSTITIAL PNEUMONITIS DUE TO SURFACTANT PROTEIN C DEFICIENCY; INTERSTITIAL LUNG DISEASE DUE TO SURFACTANT PROTEIN C DEFICIENCY. Identifiers: Orphanet 440392, MedGen C1970470, MONDO:0024465, OMIM 610913.

Allele frequency attached by ClinVar (database versions not stated): 1000 Genomes Project 30x 0.02295; 1000 Genomes Project 0.02396; TOPMed 0.03619; ESP Exome Variant Server 0.04285; gnomAD 0.04917 and 0.05091; ExAC 0.05277; gnomAD exomes 0.05339 and 0.05993.
gnomAD v4.1: 94,601 of 1,613,860 alleles (5.9%); highest among the groups gnomAD compares: Non-Finnish European, 6.3%; 3,642 homozygotes.

Submissions (6):

Labcorp Genetics (formerly Invitae), Labcorp
Classification: Benign. Last evaluated: 2026-02-01. Review status: criteria provided, single submitter. Criteria: Invitae Variant Classification Sherloc (09022015). Collection method: clinical testing. Allele origin: germline.

Blueprint Genetics
Classification: Likely benign. Last evaluated: 2024-11-27. Review status: criteria provided, single submitter. Criteria: ACMG Guidelines, 2015. Collection method: clinical testing. Allele origin: germline.

GeneDx
Classification: Benign. Last evaluated: 2018-07-09. Review status: criteria provided, single submitter. Criteria: GeneDx Variant Classification Process June 2021. Collection method: clinical testing. Allele origin: germline. Affected: yes.

Illumina Laboratory Services, Illumina
Classification: Benign for Surfactant metabolism dysfunction, pulmonary, 2. Last evaluated: 2018-01-12. Review status: criteria provided, single submitter. Criteria: ICSL Variant Classification Criteria 13 December 2019. Collection method: clinical testing. Allele origin: germline.
Comment: This variant was observed in the ICSL laboratory as part of a predisposition screen in an ostensibly healthy population. It had not been previously curated by ICSL or reported in the Human Gene Mutation Database (HGMD: prior to June 1st, 2018), and was therefore a candidate for classification through an automated scoring system. Utilizing variant allele frequency, disease prevalence and penetrance estimates, and inheritance mode, an automated score was calculated to assess if this variant is too frequent to cause the disease. Based on the score and internal cut-off values, a variant classified as benign is not then subjected to further curation. The score for this variant resulted in a classification of benign for this disease.

Laboratory for Molecular Medicine, Mass General Brigham Personalized Medicine
Classification: Benign. Last evaluated: 2013-02-21. Review status: criteria provided, single submitter. Criteria: LMM Criteria. Collection method: clinical testing. Allele origin: germline. Observed: 13 variant alleles.
Comment: 201+14G>A in intron 2 of SFTPC: This variant is not expected to have clinical si gnificance because it is not located within the conserved splice consensus seque nce. It has been identified in 5.7% (486/8512) of European American chromosomes from a broad population by the NHLBI Exome Sequencing Project (dbSNP rs8192327).

Breakthrough Genomics
Classification: Likely benign. Review status: criteria provided, single submitter. Criteria: ACMG Guidelines, 2015. Collection method: not provided. Allele origin: germline. Inheritance: Autosomal dominant inheritance. Affected: yes.